The following is an entry in ClinVar:

ClinVar aggregate classification (germline): Uncertain significance (1 of 4 stars; one submission).

Allele frequency attached by ClinVar (database versions not stated): gnomAD exomes below 0.00001.
gnomAD v4.1: 1 of 1,603,240 alleles (0.000062%); highest among the groups gnomAD compares: Non-Finnish European, 0.000085%; no homozygotes.

Submission:

Labcorp Genetics (formerly Invitae), Labcorp
Classification: Uncertain significance. Last evaluated: 2022-06-04. Review status: criteria provided, single submitter. Criteria: Invitae Variant Classification Sherloc (09022015). Collection method: clinical testing. Allele origin: germline.
Comment: This sequence change replaces lysine, which is basic and polar, with methionine, which is neutral and non-polar, at codon 232 of the KL protein (p.Lys232Met). In summary, the available evidence is currently insufficient to determine the role of this variant in disease. Therefore, it has been classified as a Variant of Uncertain Significance. Algorithms developed to predict the effect of missense changes on protein structure and function are either unavailable or do not agree on the potential impact of this missense change (SIFT: "Deleterious"; PolyPhen-2: "Probably Damaging"; Align-GVGD: "Class C0"). This variant has not been reported in the literature in individuals affected with KL-related conditions. This variant is not present in population databases (gnomAD no frequency).

NM_004795.4(KL):c.695A>T (p.Lys232Met)

Gene: KL (klotho; plus strand). Cytogenetic location: 13q13.1.
Variant type: single nucleotide variant.
Coding change: c.695A>T on transcript NM_004795.4 (MANE Select); coding-DNA position 695, A replaced by T.
Protein change: p.Lys232Met; replaces lysine 232 with methionine.
Molecular consequence: missense variant.
Genome position (GRCh38, 1-based): chr13:33,017,135, A>T. VCF-style: chr13-33017135-A-T. GRCh37 (hg19) VCF-style: chr13-33591273-A-T.
Other names: short protein forms K232M.
Identifiers: ClinVar variation 2083939 (VCV002083939.4), dbSNP rs2501698855, ClinGen allele CA387782354.